The following is an entry in ClinVar:

NM_003104.6(SORD):c.112dup (p.Arg38fs)

Gene: SORD (sorbitol dehydrogenase; plus strand). Cytogenetic location: 15q21.1.
Variant type: Duplication.
Coding change: c.112dup on transcript NM_003104.6 (MANE Select); coding-DNA position 112, one base duplicated (A; older notation c.112dupA).
Protein change: p.Arg38fs; shifts the reading frame from arginine 38.
Molecular consequence: frameshift variant. On other transcripts: non-coding transcript variant (1).
Genome position (GRCh38, 1-based): chr15:45,043,268, A duplicated. VCF-style (leftmost placement, unchanged base first): chr15-45043267-G-GA. GRCh37 (hg19) VCF-style: chr15-45335465-G-GA.
Other names: short protein forms R38fs.
Identifiers: ClinVar variation 3026551 (VCV003026551.22), dbSNP rs2504680805, ClinGen allele CA2628231125.

ClinVar aggregate classification (germline): Pathogenic (1 of 4 stars; one submission).

Submission:

CeGaT Center for Human Genetics Tuebingen
Classification: Pathogenic. Last evaluated: 2024-02-01. Review status: criteria provided, single submitter. Criteria: CeGaT Center For Human Genetics Tuebingen Variant Classification Criteria Version 2. Collection method: clinical testing. Allele origin: germline. Affected: yes. Observed: 1 variant allele.
Comment: SORD: PVS1, PM2